The following is an entry in ClinVar:

NM_002180.3(IGHMBP2):c.1058C>G (p.Thr353Arg)

Gene: IGHMBP2 (immunoglobulin mu DNA binding protein 2; plus strand). Cytogenetic location: 11q13.3.
Variant type: single nucleotide variant.
Coding change: c.1058C>G on transcript NM_002180.3 (MANE Select); coding-DNA position 1058, C replaced by G.
Protein change: p.Thr353Arg; replaces threonine 353 with arginine.
Molecular consequence: missense variant.
Genome position (GRCh38, 1-based): chr11:68,917,881, C>G. VCF-style: chr11-68917881-C-G. GRCh37 (hg19) VCF-style: chr11-68685349-C-G.
Other names: short protein forms T353R.
Identifiers: ClinVar variation 1366855 (VCV001366855.6), dbSNP rs1368446033, ClinGen allele CA381645035.

ClinVar aggregate classification (germline): Uncertain significance (1 of 4 stars; one submission).

Conditions:
Autosomal recessive distal spinal muscular atrophy 1. Also called: HMN VI; SPINAL MUSCULAR ATROPHY, DIAPHRAGMATIC; Spinal muscular atrophy with respiratory distress 1; NEURONOPATHY, SEVERE INFANTILE AXONAL, WITH RESPIRATORY FAILURE; NEURONOPATHY, DISTAL HEREDITARY MOTOR, HARDING TYPE VI; NEUROPATHY, DISTAL HEREDITARY MOTOR, AUTOSOMAL RECESSIVE 1. Identifiers: Orphanet 98920, MedGen C1858517, MONDO:0011436, OMIM 604320.
Charcot-Marie-Tooth disease axonal type 2S. Also called: CHARCOT-MARIE-TOOTH DISEASE, AXONAL, AUTOSOMAL RECESSIVE, TYPE 2S; CHARCOT-MARIE-TOOTH NEUROPATHY, TYPE 2S. Identifiers: Orphanet 443073, MedGen C4015349, MONDO:0014511, OMIM 616155.

Allele frequency attached by ClinVar (database versions not stated): gnomAD exomes below 0.00001.
gnomAD v4.1: 1 of 1,613,966 alleles (0.000062%); highest among the groups gnomAD compares: African/African-American, 0.0013%; no homozygotes.

Submission:

Labcorp Genetics (formerly Invitae), Labcorp
Classification: Uncertain significance for Autosomal recessive distal spinal muscular atrophy 1; Charcot-Marie-Tooth disease axonal type 2S. Last evaluated: 2021-09-22. Review status: criteria provided, single submitter. Criteria: Invitae Variant Classification Sherloc (09022015). Collection method: clinical testing. Allele origin: germline.
Comment: In summary, the available evidence is currently insufficient to determine the role of this variant in disease. Therefore, it has been classified as a Variant of Uncertain Significance. Algorithms developed to predict the effect of sequence changes on RNA splicing suggest that this variant may create or strengthen a splice site. Algorithms developed to predict the effect of missense changes on protein structure and function are either unavailable or do not agree on the potential impact of this missense change (SIFT: "Tolerated"; PolyPhen-2: "Probably Damaging"; Align-GVGD: "Class C0"). This variant has not been reported in the literature in individuals affected with IGHMBP2-related conditions. This variant is not present in population databases (ExAC no frequency). This sequence change replaces threonine with arginine at codon 353 of the IGHMBP2 protein (p.Thr353Arg). The threonine residue is moderately conserved and there is a moderate physicochemical difference between threonine and arginine.